The following is an entry in ClinVar:

ClinVar aggregate classification (germline): Pathogenic (0 of 4 stars; one submission).

Submission:

Neurogenetics Research; Murdoch Childrens Research Institute
Classification: Pathogenic. Review status: no assertion criteria provided. Collection method: not provided. Allele origin: germline.
Comment: Autosomal recessive atypical progeroid syndrome with hepatic cellular carcinoma. Heterozygous mutation in 1 family
ClinVar note: Converted during submission from pathogenic to Pathogenic.

NC_000001.11:g.231487317_231487320del

Variant type: Deletion.
Genome position: GRCh38 VCF-style: chr1-231487316-CATTT-C. GRCh37 (hg19) VCF-style: chr1-231623062-CATTT-C.
Identifiers: ClinVar variation 143960 (VCV000143960.2), dbSNP rs527236214, ClinGen allele CA233037.